The following is an entry in ClinVar:

ClinVar aggregate classification (germline): Pathogenic/Likely pathogenic. Review status: criteria provided, multiple submitters, no conflicts (2 of 4 stars). 4 submissions from 4 submitters: Pathogenic (1); Likely pathogenic (1). 2 of the submissions do not count toward it. Last evaluated 2022-02-01.

Conditions:
Alstrom syndrome (ALMS). Identifiers: Orphanet 64, MedGen C0268425, MONDO:0008763, OMIM 203800.

Submissions (4):

Fulgent Genetics
Classification: Likely pathogenic for Alstrom syndrome. Last evaluated: 2022-02-01. Review status: criteria provided, single submitter. Criteria: ACMG Guidelines, 2015. Collection method: clinical testing. Allele origin: unknown.

Labcorp Genetics (formerly Invitae), Labcorp
Classification: Pathogenic for Alstrom syndrome. Last evaluated: 2019-08-27. Review status: criteria provided, single submitter. Criteria: Invitae Variant Classification Sherloc (09022015). Collection method: clinical testing. Allele origin: germline.
Comment: This sequence change creates a premature translational stop signal (p.Leu1727Profs*5) in the ALMS1 gene. It is expected to result in an absent or disrupted protein product. This variant is not present in population databases (ExAC no frequency). This variant has not been reported in the literature in individuals with ALMS1-related conditions. ClinVar contains an entry for this variant (Variation ID: 553501). Loss-of-function variants in ALMS1 are known to be pathogenic (PMID: 17594715). For these reasons, this variant has been classified as Pathogenic.

Gharavi Laboratory, Columbia University
Classification: Uncertain significance. Last evaluated: 2018-09-16. Review status: no assertion criteria provided. Criteria: ACMG Guidelines, 2015. Collection method: research. Allele origin: germline. Affected: yes. Not counted in ClinVar's aggregate classification.

Counsyl
Classification: Likely pathogenic for Alstrom syndrome. Last evaluated: 2017-08-22. Review status: no assertion criteria provided. Collection method: clinical testing. Allele origin: unknown. Not counted in ClinVar's aggregate classification.

Literature cited by the submitters: PubMed 17594715 (cited by Labcorp Genetics (formerly Invitae), Labcorp).

NM_001378454.1(ALMS1):c.5176dup (p.Leu1726fs)

Gene: ALMS1 (ALMS1 centrosome and basal body associated protein; plus strand). Cytogenetic location: 2p13.1.
Variant type: Duplication.
Coding change: c.5176dup on transcript NM_001378454.1 (MANE Select); coding-DNA position 5176, one base duplicated (C; older notation c.5176dupC).
Protein change: p.Leu1726fs; shifts the reading frame from leucine 1726.
Molecular consequence: frameshift variant.
Genome position (GRCh38, 1-based): chr2:73,451,703, C duplicated; the last of 3 consecutive C bases (chr2:73,451,701-73,451,703); duplicating any one gives the same sequence. VCF-style (leftmost placement, unchanged base first): chr2-73451700-G-GC. GRCh37 (hg19) VCF-style: chr2-73678827-G-GC.
Other names: c.5179dup, p.Leu1727fs (NM_015120.4); c.5179dupC (NM_015120.4); short protein forms L1727fs, L1726fs.
Identifiers: ClinVar variation 553501 (VCV000553501.10), dbSNP rs1553404020, ClinGen allele CA658822881.